The following is an entry in ClinVar:

ClinVar aggregate classification (germline): Uncertain significance (1 of 4 stars; one submission).

Conditions:
DiGeorge syndrome. Also called: THIRD AND FOURTH PHARYNGEAL POUCH SYNDROME; Catch22. Identifiers: Orphanet 567, MedGen C0012236, MONDO:0008564, OMIM 188400.

Allele frequency attached by ClinVar (database versions not stated): ExAC 0.00001.
gnomAD v4.1: 1 of 1,555,028 alleles (0.000064%); highest among the groups gnomAD compares: South Asian, 0.0012%; no homozygotes.

Submission:

Labcorp Genetics (formerly Invitae), Labcorp
Classification: Uncertain significance for DiGeorge syndrome. Last evaluated: 2023-08-04. Review status: criteria provided, single submitter. Criteria: Invitae Variant Classification Sherloc (09022015). Collection method: clinical testing. Allele origin: germline.
Comment: In summary, the available evidence is currently insufficient to determine the role of this variant in disease. Therefore, it has been classified as a Variant of Uncertain Significance. An algorithm developed to predict the effect of missense changes on protein structure and function (PolyPhen-2) suggests that this variant is likely to be tolerated. This variant has not been reported in the literature in individuals affected with TBX1-related conditions. The frequency data for this variant in the population databases is considered unreliable, as metrics indicate poor data quality at this position in the gnomAD database. This sequence change replaces aspartic acid, which is acidic and polar, with glutamic acid, which is acidic and polar, at codon 424 of the TBX1 protein (p.Asp424Glu).

NM_001379200.1(TBX1):c.1299C>A (p.Asp433Glu)

Gene: TBX1 (T-box transcription factor 1; plus strand). Cytogenetic location: 22q11.21.
Variant type: single nucleotide variant.
Coding change: c.1299C>A on transcript NM_001379200.1 (MANE Select); coding-DNA position 1299, C replaced by A.
Protein change: p.Asp433Glu; replaces aspartic acid 433 with glutamic acid.
Molecular consequence: missense variant. On other transcripts: intron variant (2).
Genome position (GRCh38, 1-based): chr22:19,766,651, C>A. VCF-style: chr22-19766651-C-A. GRCh37 (hg19) VCF-style: chr22-19754174-C-A.
Other names: c.1272C>A, p.Asp424Glu (NM_080647.1); c.1009+649C>A (NM_005992.1, NM_080646.2); short protein forms D424E, D433E.
Identifiers: ClinVar variation 2747082 (VCV002747082.3), dbSNP rs781108085, ClinGen allele CA10102703.